The following is an entry in ClinVar:

NM_020975.6(RET):c.2370_2372delinsCTT (p.Leu790_Tyr791delinsPhePhe)

Gene: RET (ret proto-oncogene; plus strand). Cytogenetic location: 10q11.21.
Variant type: Indel.
Coding change: c.2370_2372delinsCTT on transcript NM_020975.6 (MANE Select); coding-DNA positions 2370 to 2372, GTA replaced by CTT.
Protein change: p.Leu790_Tyr791delinsPhePhe.
Molecular consequence: missense variant.
Genome position (GRCh38, 1-based): chr10:43,118,458-43,118,460, GTA replaced by CTT. VCF-style: chr10-43118458-GTA-CTT. GRCh37 (hg19) VCF-style: chr10-43613906-GTA-CTT.
Other names: c.1608_1610delinsCTT, p.Leu536_Tyr537delinsPhePhe (NM_001355216.2); c.2370_2372delinsCTT, p.Leu790_Tyr791delinsPhePhe (NM_001406743.1, NM_001406744.1, NM_001406759.1 and 2 more transcripts); c.2241_2243delinsCTT, p.Leu747_Tyr748delinsPhePhe (NM_001406761.1, NM_001406762.1, NM_001406764.1); c.2235_2237delinsCTT, p.Leu745_Tyr746delinsPhePhe (NM_001406763.1, NM_001406765.1); c.2082_2084delinsCTT, p.Leu694_Tyr695delinsPhePhe (NM_001406766.1, NM_001406767.1, NM_001406770.1); c.2106_2108delinsCTT, p.Leu702_Tyr703delinsPhePhe (NM_001406768.1); c.1974_1976delinsCTT, p.Leu658_Tyr659delinsPhePhe (NM_001406769.1, NM_001406772.1); c.1932_1934delinsCTT, p.Leu644_Tyr645delinsPhePhe (NM_001406771.1, NM_001406773.1); and 10 more.
Identifiers: ClinVar variation 5042262 (VCV005042262.1).

ClinVar aggregate classification (germline): Pathogenic (1 of 4 stars; one submission).

Conditions:
Multiple endocrine neoplasia type 2A. Also called: MULTIPLE ENDOCRINE NEOPLASIA, TYPE IIA; PTC SYNDROME; SIPPLE SYNDROME; MEN 2A; MEN-2A syndrome; Pheochromocytoma and amyloid producing medullary thyroid carcinoma. Identifiers: Orphanet 247698, Orphanet 653, MedGen C0025268, MeSH D018813, MONDO:0008234, OMIM 171400.

Submission:

Myriad Genetics, Inc.
Classification: Pathogenic for Multiple endocrine neoplasia type 2A. Last evaluated: 2026-08-27. Review status: criteria provided, single submitter. Criteria: Myriad Autosomal Dominant, Autosomal Recessive and X-Linked Classification Criteria (2023). Collection method: clinical testing. Allele origin: unknown.
Comment: This variant is considered pathogenic. This variant has been reported in multiple individuals with clinical features of gene-specific disease [PMID: 28946813, 33827484, 33167350, 12490841, 12409662, 9506724, 25810047].

Literature cited by the submitters: PubMed 28946813; PubMed 33827484; PubMed 33167350; PubMed 12490841; PubMed 12409662; PubMed 9506724; PubMed 25810047.